The following is an entry in ClinVar:

ClinVar aggregate classification (germline): Uncertain significance (1 of 4 stars; one submission).

Submission:

Dasa
Classification: Uncertain significance. Last evaluated: 2024-07-03. Review status: criteria provided, single submitter. Criteria: DASA Assertion Criteria. Collection method: clinical testing. Allele origin: germline.
Comment: NM_001330360.2(POLA1):c.525+5A>G is a splice-region variant. This variant is rare in population databases. Computational prediction algorithms are consistent with a benign effect. The currently available literature and clinical evidence are not sufficient to establish a definitive association between this variant and the reported condition. Therefore, this variant is classified as a variant of uncertain significance.

NM_001330360.2(POLA1):c.525+5A>G

Gene: POLA1 (DNA polymerase alpha 1, catalytic subunit; plus strand). Cytogenetic location: Xp22.11.
Variant type: single nucleotide variant.
Coding change: c.525+5A>G on transcript NM_001330360.2 (MANE Select); 5 bases into the intron after coding-DNA position 525, A replaced by G.
Molecular consequence: intron variant.
Genome position (GRCh38, 1-based): chrX:24,715,208, A>G. VCF-style: chrX-24715208-A-G. GRCh37 (hg19) VCF-style: chrX-24733325-A-G.
Other names: c.525+5A>G (NM_001440806.1, NM_001378303.1); c.507+5A>G (NM_016937.4).
Identifiers: ClinVar variation 4885535 (VCV004885535.2).